The following is an entry in ClinVar:

NM_018475.5(TMEM165):c.232G>A (p.Val78Ile)

Gene: TMEM165 (transmembrane protein 165; plus strand). Cytogenetic location: 4q12.
Variant type: single nucleotide variant.
Coding change: c.232G>A on transcript NM_018475.5 (MANE Select); coding-DNA position 232, G replaced by A.
Protein change: p.Val78Ile; replaces valine 78 with isoleucine.
Molecular consequence: missense variant. On other transcripts: non-coding transcript variant (1).
Genome position (GRCh38, 1-based): chr4:55,411,638, G>A. VCF-style: chr4-55411638-G-A. GRCh37 (hg19) VCF-style: chr4-56277805-G-A.
Other names: short protein forms V78I.
Identifiers: ClinVar variation 3696503 (VCV003696503.2).

ClinVar aggregate classification (germline): Uncertain significance (1 of 4 stars; one submission).

Conditions:
TMEM165-congenital disorder of glycosylation. Also called: CDG IIk; Congenital disorder of glycosylation type 2k; TMEM165-CDG. Identifiers: Orphanet 314667, MedGen C3553571, MONDO:0013870, OMIM 614727.

Submission:

Labcorp Genetics (formerly Invitae), Labcorp
Classification: Uncertain significance for TMEM165-congenital disorder of glycosylation. Last evaluated: 2024-10-30. Review status: criteria provided, single submitter. Criteria: Invitae Variant Classification Sherloc (09022015). Collection method: clinical testing. Allele origin: germline.
Comment: This sequence change replaces valine, which is neutral and non-polar, with isoleucine, which is neutral and non-polar, at codon 78 of the TMEM165 protein (p.Val78Ile). This variant is not present in population databases (gnomAD no frequency). This variant has not been reported in the literature in individuals affected with TMEM165-related conditions. Invitae Evidence Modeling of protein sequence and biophysical properties (such as structural, functional, and spatial information, amino acid conservation, physicochemical variation, residue mobility, and thermodynamic stability) indicates that this missense variant is not expected to disrupt TMEM165 protein function with a negative predictive value of 80%. In summary, the available evidence is currently insufficient to determine the role of this variant in disease. Therefore, it has been classified as a Variant of Uncertain Significance.